The following is an entry in ClinVar:

ClinVar aggregate classification (germline): Uncertain significance. Review status: criteria provided, multiple submitters, no conflicts (2 of 4 stars). 2 submissions from 2 submitters: Uncertain significance (2). Last evaluated 2018-08-10.

Conditions:
Combined immunodeficiency due to ZAP70 deficiency (IMD48). Also called: Immunodeficiency 48; ZAP70 Deficiency. Identifiers: Orphanet 911, MedGen C2931299, MONDO:0010023, OMIM 269840.

Allele frequency attached by ClinVar (database versions not stated): TOPMed 0.00002; gnomAD 0.00001; ExAC 0.00002; gnomAD exomes 0.00001 and 0.00002.
gnomAD v4.1: 19 of 1,614,064 alleles (0.0012%); highest among the groups gnomAD compares: Non-Finnish European, 0.0014%; no homozygotes.

Submissions (2):

Labcorp Genetics (formerly Invitae), Labcorp
Classification: Uncertain significance for ZAP70-Related Severe Combined Immunodeficiency. Last evaluated: 2018-08-10. Review status: criteria provided, single submitter. Criteria: Invitae Variant Classification Sherloc (09022015). Collection method: clinical testing. Allele origin: germline.
Comment: This sequence change replaces valine with methionine at codon 314 of the ZAP70 protein (p.Val314Met). The valine residue is moderately conserved and there is a small physicochemical difference between valine and methionine. This variant is present in population databases (rs200679935, ExAC 0.02%). This variant has not been reported in the literature in individuals with ZAP70-related disease. Algorithms developed to predict the effect of missense changes on protein structure and function are either unavailable or do not agree on the potential impact of this missense change (SIFT: "Deleterious"; PolyPhen-2: "Probably Damaging"; Align-GVGD: "Class C0"). In summary, the available evidence is currently insufficient to determine the role of this variant in disease. Therefore, it has been classified as a Variant of Uncertain Significance.

Blueprint Genetics
Classification: Uncertain significance. Last evaluated: 2017-07-18. Review status: criteria provided, single submitter. Criteria: ACMG Guidelines, 2015. Collection method: clinical testing. Allele origin: germline.

NM_001079.4(ZAP70):c.940G>A (p.Val314Met)

Gene: ZAP70 (zeta chain of T cell receptor associated protein kinase 70; plus strand). Cytogenetic location: 2q11.2.
Variant type: single nucleotide variant.
Coding change: c.940G>A on transcript NM_001079.4 (MANE Select); coding-DNA position 940, G replaced by A.
Protein change: p.Val314Met; replaces valine 314 with methionine.
Molecular consequence: missense variant.
Genome position (GRCh38, 1-based): chr2:97,734,570, G>A. VCF-style: chr2-97734570-G-A. GRCh37 (hg19) VCF-style: chr2-98351033-G-A.
Other names: c.940G>A, p.Val314Met (NM_001378594.1); c.19G>A, p.Val7Met (NM_207519.2); short protein forms V314M, V7M.
Identifiers: ClinVar variation 636456 (VCV000636456.3), dbSNP rs200679935, ClinGen allele CA1790330.